The following is an entry in ClinVar:

ClinVar aggregate classification (germline): Conflicting classifications of pathogenicity. Review status: criteria provided, conflicting classifications (1 of 4 stars). 4 submissions from 4 submitters: Uncertain significance (2); Likely benign (2). Last evaluated 2026-06-29.

Conditions:
Left ventricular noncompaction 8 (LVNC8). Identifiers: Orphanet 154, Orphanet 54260, MedGen C3809288, MONDO:0014152, OMIM 615373.

Allele frequency attached by ClinVar (database versions not stated): TOPMed 0.00008; ESP Exome Variant Server 0.00009; gnomAD 0.00016 and 0.00017; gnomAD exomes 0.00017; ExAC 0.00047.
gnomAD v4.1: 197 of 1,495,320 alleles (0.013%); highest among the groups gnomAD compares: Non-Finnish European, 0.0096%; 1 homozygote.

Submissions (4):

Women's Health and Genetics/Laboratory Corporation of America, LabCorp
Classification: Likely benign. Last evaluated: 2026-06-29. Review status: criteria provided, single submitter. Criteria: LabCorp Variant Classification Summary - May 2015. Collection method: clinical testing. Allele origin: germline.
Comment: Variant summary: PRDM16 c.2566G>A (p.Ala856Thr) results in a non-conservative amino acid change in the encoded protein sequence. Algorithms developed to predict the effect of missense changes on protein structure and function are either unavailable or do not agree on the potential impact of this missense change. The variant allele was found at a frequency of 0.00017 in 109746 control chromosomes. The observed variant frequency exceeds the estimated maximal expected allele frequency for disease-causing variants in PRDM16. c.2566G>A has been observed in individual(s) affected with left ventricular hypertrabeculation (Miszalski-Jamka_2017) . These report(s) do not provide unequivocal conclusions about association of the variant with Cardiomyopathy. To our knowledge, no experimental evidence demonstrating an impact on protein function has been reported. The following publication has been ascertained in the context of this evaluation (PMID: 28798025). ClinVar contains an entry for this variant (Variation ID: 652754). Based on the evidence outlined above, the variant was classified as likely benign.

Labcorp Genetics (formerly Invitae), Labcorp
Classification: Uncertain significance for Left ventricular noncompaction 8. Last evaluated: 2025-09-22. Review status: criteria provided, single submitter. Criteria: Invitae Variant Classification Sherloc (09022015). Collection method: clinical testing. Allele origin: germline.
Comment: This sequence change replaces alanine, which is neutral and non-polar, with threonine, which is neutral and polar, at codon 856 of the PRDM16 protein (p.Ala856Thr). The frequency data for this variant in the population databases is considered unreliable, as metrics indicate poor data quality at this position in the gnomAD database. This missense change has been observed in individual(s) with left ventricular hypertrabeculation (PMID: 28798025). ClinVar contains an entry for this variant (Variation ID: 652754). An algorithm developed to predict the effect of missense changes on protein structure and function (PolyPhen-2) suggests that this variant is likely to be disruptive. In summary, the available evidence is currently insufficient to determine the role of this variant in disease. Therefore, it has been classified as a Variant of Uncertain Significance.

Blueprint Genetics
Classification: Likely benign. Last evaluated: 2024-09-11. Review status: criteria provided, single submitter. Criteria: ACMG Guidelines, 2015. Collection method: clinical testing. Allele origin: germline.

Clinical Genetics Laboratory, Skane University Hospital Lund
Classification: Uncertain significance. Last evaluated: 2023-09-21. Review status: criteria provided, single submitter. Criteria: ACMG Guidelines, 2015. Collection method: clinical testing. Allele origin: germline. Affected: yes.

Literature cited by the submitters: PubMed 28798025 (cited by Women's Health and Genetics/Laboratory Corporation of America, LabCorp and Labcorp Genetics (formerly Invitae), Labcorp).

NM_022114.4(PRDM16):c.2566G>A (p.Ala856Thr)

Gene: PRDM16 (PR/SET domain 16; plus strand). Cytogenetic location: 1p36.32.
Variant type: single nucleotide variant.
Coding change: c.2566G>A on transcript NM_022114.4 (MANE Select); coding-DNA position 2566, G replaced by A.
Protein change: p.Ala856Thr; replaces alanine 856 with threonine.
Molecular consequence: missense variant.
Genome position (GRCh38, 1-based): chr1:3,412,763, G>A. VCF-style: chr1-3412763-G-A. GRCh37 (hg19) VCF-style: chr1-3329327-G-A.
Other names: c.2566G>A, p.Ala856Thr (NM_199454.3); short protein forms A856T.
Identifiers: ClinVar variation 652754 (VCV000652754.12), dbSNP rs377029492, ClinGen allele CA544511.